The following is an entry in ClinVar:

NM_004329.3(BMPR1A):c.5C>G (p.Pro2Arg)

Gene: BMPR1A (bone morphogenetic protein receptor type 1A; plus strand). Cytogenetic location: 10q23.2.
Variant type: single nucleotide variant.
Coding change: c.5C>G on transcript NM_004329.3 (MANE Select); coding-DNA position 5, C replaced by G.
Protein change: p.Pro2Arg; replaces proline 2 with arginine.
Molecular consequence: missense variant.
Genome position (GRCh38, 1-based): chr10:86,876,023, C>G. VCF-style: chr10-86876023-C-G. GRCh37 (hg19) VCF-style: chr10-88635780-C-G.
Other names: c.5C>G, p.Pro2Arg (NM_001406559.1, NM_001406560.1, NM_001406561.1 and 23 more transcripts); c.-75C>G (NM_001406588.1); short protein forms P2R.
Identifiers: ClinVar variation 2025109 (VCV002025109.8), dbSNP rs143248687, ClinGen allele CA5585404.

ClinVar aggregate classification (germline): Uncertain significance. Review status: criteria provided, multiple submitters, no conflicts (2 of 4 stars). 4 submissions from 4 submitters: Uncertain significance (4). Last evaluated 2025-07-21.

Conditions:
Hereditary cancer-predisposing syndrome. Also called: Neoplastic Syndromes, Hereditary; Hereditary Cancer Syndrome; Tumor predisposition; Hereditary neoplastic syndrome. Identifiers: Orphanet 140162, MedGen C0027672, MeSH D009386, MONDO:0015356.
Juvenile polyposis syndrome (JPS). Identifiers: Orphanet 2929, MedGen C0345893, MONDO:0017380, OMIM 174900.

gnomAD v4.1: 1 of 1,608,210 alleles (0.000062%); highest among the groups gnomAD compares: Non-Finnish European, 0.000085%; no homozygotes.

Submissions (4):

Labcorp Genetics (formerly Invitae), Labcorp
Classification: Uncertain significance for Juvenile polyposis syndrome. Last evaluated: 2025-07-21. Review status: criteria provided, single submitter. Criteria: Invitae Variant Classification Sherloc (09022015). Collection method: clinical testing. Allele origin: germline.
Comment: This sequence change replaces proline, which is neutral and non-polar, with arginine, which is basic and polar, at codon 2 of the BMPR1A protein (p.Pro2Arg). This variant is present in population databases (rs143248687, gnomAD 0.002%). This variant has not been reported in the literature in individuals affected with BMPR1A-related conditions. ClinVar contains an entry for this variant (Variation ID: 2025109). Invitae Evidence Modeling of protein sequence and biophysical properties (such as structural, functional, and spatial information, amino acid conservation, physicochemical variation, residue mobility, and thermodynamic stability) indicates that this missense variant is not expected to disrupt BMPR1A protein function with a negative predictive value of 95%. In summary, the available evidence is currently insufficient to determine the role of this variant in disease. Therefore, it has been classified as a Variant of Uncertain Significance.

Ambry Genetics
Classification: Uncertain significance for Hereditary cancer-predisposing syndrome. Last evaluated: 2025-03-14. Review status: criteria provided, single submitter. Criteria: Ambry Variant Classification Scheme 2023. Collection method: clinical testing. Allele origin: germline.
Comment: The p.P2R variant (also known as c.5C>G), located in coding exon 1 of the BMPR1A gene, results from a C to G substitution at nucleotide position 5. The proline at codon 2 is replaced by arginine, an amino acid with dissimilar properties. This amino acid position is poorly conserved in available vertebrate species. In addition, this alteration is predicted to be tolerated by in silico analysis. Based on the available evidence, the clinical significance of this variant remains unclear.

GeneDx
Classification: Uncertain significance. Last evaluated: 2024-03-05. Review status: criteria provided, single submitter. Criteria: GeneDx Variant Classification Process June 2021. Collection method: clinical testing. Allele origin: germline. Affected: yes.
Comment: Not observed at significant frequency in large population cohorts (gnomAD); In silico analysis supports that this missense variant does not alter protein structure/function; Has not been previously published as pathogenic or benign to our knowledge

Color Diagnostics, LLC DBA Color Health
Classification: Uncertain significance for Hereditary cancer-predisposing syndrome. Last evaluated: 2023-06-27. Review status: criteria provided, single submitter. Criteria: ACMG Guidelines, 2015. Collection method: clinical testing. Allele origin: germline.
Comment: This missense variant replaces proline with arginine at codon 2 of the BMPR1A protein. Computational prediction suggests that this variant may not impact protein structure and function (internally defined REVEL score threshold <= 0.5, PMID: 27666373). To our knowledge, functional studies have not been reported for this variant. This variant has not been reported in individuals affected with BMPR1A-related disorders in the literature. This variant has been identified in 2/282724 chromosomes in the general population by the Genome Aggregation Database (gnomAD). The available evidence is insufficient to determine the role of this variant in disease conclusively. Therefore, this variant is classified as a Variant of Uncertain Significance.